The following is an entry in ClinVar:

ClinVar aggregate classification (germline): Uncertain significance (1 of 4 stars; one submission).

Conditions:
Inborn genetic diseases. Identifiers: MedGen C0950123, MeSH D030342.

Submission:

Ambry Genetics
Classification: Uncertain significance for Inborn genetic diseases. Last evaluated: 2025-10-12. Review status: criteria provided, single submitter. Criteria: Ambry Variant Classification Scheme 2023. Collection method: clinical testing. Allele origin: germline.
Comment: The p.D1074E variant (also known as c.3222C>A), located in coding exon 15 of the MECOM gene, results from a C to A substitution at nucleotide position 3222. The aspartic acid at codon 1074 is replaced by glutamic acid, an amino acid with highly similar properties. This amino acid position is conserved. In addition, this alteration is predicted to be tolerated by in silico analysis. Based on the available evidence, the clinical significance of this variant remains unclear.

NM_004991.4(MECOM):c.3222C>A (p.Asp1074Glu)

Gene: MECOM (MDS1 and EVI1 complex locus; minus strand). Cytogenetic location: 3q26.2.
Variant type: single nucleotide variant.
Coding change: c.3222C>A on transcript NM_004991.4 (MANE Select); coding-DNA position 3222, C replaced by A.
Protein change: p.Asp1074Glu; replaces aspartic acid 1074 with glutamic acid.
Molecular consequence: missense variant.
Genome position (GRCh38, 1-based): chr3:169,090,179, G>T on the plus strand (C>A on the coding strand, the complement: MECOM is on the minus strand). VCF-style: chr3-169090179-G-T. GRCh37 (hg19) VCF-style: chr3-168807967-G-T.
Other names: c.2631C>A, p.Asp877Glu (NM_001164000.2, NM_001366471.2, NM_001366472.2); c.2658C>A, p.Asp886Glu (NM_001205194.2, NM_001366469.2, NM_005241.4 and 1 more transcripts); c.3195C>A, p.Asp1065Glu (NM_001366466.2); c.2661C>A, p.Asp887Glu (NM_001366467.2, NM_001366468.2); c.2634C>A, p.Asp878Glu (NM_001366470.2, NM_001163999.2); c.2223C>A, p.Asp741Glu (NM_001366473.2); c.1659C>A, p.Asp553Glu (NM_001366474.2); c.2853C>A, p.Asp951Glu (NM_001105077.4); short protein forms D877E, D741E, D878E, D1065E, D1074E, D553E, D886E, D887E.
Identifiers: ClinVar variation 4624641 (VCV004624641.1).